The following is an entry in ClinVar:

NM_031443.4(CCM2):c.424G>A (p.Val142Ile)

Gene: CCM2 (CCM2 scaffold protein; plus strand). Cytogenetic location: 7p13.
Variant type: single nucleotide variant.
Coding change: c.424G>A on transcript NM_031443.4 (MANE Select); coding-DNA position 424, G replaced by A.
Protein change: p.Val142Ile; replaces valine 142 with isoleucine.
Molecular consequence: missense variant. On other transcripts: non-coding transcript variant (1).
Genome position (GRCh38, 1-based): chr7:45,064,598, G>A. VCF-style: chr7-45064598-G-A. GRCh37 (hg19) VCF-style: chr7-45104197-G-A.
Other names: c.487G>A, p.Val163Ile (NM_001029835.2); c.250G>A, p.Val84Ile (NM_001167934.2, NM_001363459.2); c.424G>A, p.Val142Ile (NM_001167935.2, NM_001363458.2); short protein forms V84I, V142I, V163I.
Identifiers: ClinVar variation 2851921 (VCV002851921.5), dbSNP rs139533504, ClinGen allele CA4246977.
Genomic context (GRCh38, chr7:45,064,598, plus strand): 5'-CTGGCCTGGAGGGACGGGGAGGATATCATCCTCAGGGTGCCCATCCATGACATCGCCGCC[G>A]TCTCCTATGTTCGGGATGACGCTGCACACCTGGTGGTCCTGAAGACAGGTACAGGAGGTC-3'
Protein context (NP_113631.1, residues 132-152): LRVPIHDIAA[Val142Ile]SYVRDDAAHL

ClinVar aggregate classification (germline): Uncertain significance. Review status: criteria provided, multiple submitters, no conflicts (2 of 4 stars). 3 submissions from 3 submitters: Uncertain significance (3). Last evaluated 2025-09-28.

Conditions:
CCM2-related disorder. Also called: CCM2-related condition.
Inborn genetic diseases. Identifiers: MedGen C0950123, MeSH D030342.
Cerebral cavernous malformation 2. Also called: Familial Cerebral Cavernous Malformation 2. Identifiers: Orphanet 221061, MedGen C1864041, MONDO:0011304, OMIM 603284.

Allele frequency attached by ClinVar (database versions not stated): ExAC 0.00002; gnomAD exomes 0.00002; gnomAD 0.00006; ESP Exome Variant Server 0.00008; TOPMed 0.00009.
gnomAD v4.1: 45 of 1,613,876 alleles (0.0028%); highest among the groups gnomAD compares: Middle Eastern, 0.017%; no homozygotes.

Submissions (3):

Ambry Genetics
Classification: Uncertain significance for Inborn genetic diseases. Last evaluated: 2025-09-28. Review status: criteria provided, single submitter. Criteria: Ambry Variant Classification Scheme 2023. Collection method: clinical testing. Allele origin: germline.

PreventionGenetics, part of Exact Sciences
Classification: Uncertain significance for CCM2-related condition. Last evaluated: 2024-11-27. Review status: criteria provided, single submitter. Criteria: ACMG Guidelines, 2015. Collection method: clinical testing. Allele origin: germline.
Comment: The CCM2 c.424G>A variant is predicted to result in the amino acid substitution p.Val142Ile. To our knowledge, this variant has not been reported in the literature. This variant is reported in 0.024% of alleles in individuals of African descent in gnomAD. At this time, the clinical significance of this variant is uncertain due to the absence of conclusive functional and genetic evidence.

Labcorp Genetics (formerly Invitae), Labcorp
Classification: Uncertain significance for Cerebral cavernous malformation 2. Last evaluated: 2024-06-03. Review status: criteria provided, single submitter. Criteria: Invitae Variant Classification Sherloc (09022015). Collection method: clinical testing. Allele origin: germline.
Comment: This sequence change replaces valine, which is neutral and non-polar, with isoleucine, which is neutral and non-polar, at codon 142 of the CCM2 protein (p.Val142Ile). This variant is present in population databases (rs139533504, gnomAD 0.02%). This variant has not been reported in the literature in individuals affected with CCM2-related conditions. Advanced modeling of protein sequence and biophysical properties (such as structural, functional, and spatial information, amino acid conservation, physicochemical variation, residue mobility, and thermodynamic stability) performed at Invitae indicates that this missense variant is not expected to disrupt CCM2 protein function with a negative predictive value of 80%. In summary, the available evidence is currently insufficient to determine the role of this variant in disease. Therefore, it has been classified as a Variant of Uncertain Significance.